The following is an entry in ClinVar:

ClinVar aggregate classification (germline): Uncertain significance (1 of 4 stars; one submission).

Conditions:
Norman-Roberts syndrome (LIS2). Also called: Lissencephaly 2 (Norman-Roberts type). Identifiers: Orphanet 89844, MedGen C0796089, MONDO:0009760, OMIM 257320.
Familial temporal lobe epilepsy 7. Identifiers: Orphanet 101046, MedGen C4225327, MONDO:0014639, OMIM 616436.

Allele frequency attached by ClinVar (database versions not stated): gnomAD exomes below 0.00001.
gnomAD v4.1: 1 of 1,612,462 alleles (0.000062%); highest among the groups gnomAD compares: Non-Finnish European, 0.000085%; no homozygotes.

Submission:

Labcorp Genetics (formerly Invitae), Labcorp
Classification: Uncertain significance for Familial temporal lobe epilepsy 7; Norman-Roberts syndrome. Last evaluated: 2023-02-04. Review status: criteria provided, single submitter. Criteria: Invitae Variant Classification Sherloc (09022015). Collection method: clinical testing. Allele origin: germline.
Comment: In summary, the available evidence is currently insufficient to determine the role of this variant in disease. Therefore, it has been classified as a Variant of Uncertain Significance. Advanced modeling of protein sequence and biophysical properties (such as structural, functional, and spatial information, amino acid conservation, physicochemical variation, residue mobility, and thermodynamic stability) performed at Invitae indicates that this missense variant is not expected to disrupt RELN protein function. ClinVar contains an entry for this variant (Variation ID: 1394070). This variant has not been reported in the literature in individuals affected with RELN-related conditions. This variant is not present in population databases (gnomAD no frequency). This sequence change replaces leucine, which is neutral and non-polar, with serine, which is neutral and polar, at codon 214 of the RELN protein (p.Leu214Ser).

NM_005045.4(RELN):c.641T>C (p.Leu214Ser)

Gene: RELN (reelin; minus strand). Cytogenetic location: 7q22.1.
Variant type: single nucleotide variant.
Coding change: c.641T>C on transcript NM_005045.4 (MANE Select); coding-DNA position 641, T replaced by C.
Protein change: p.Leu214Ser; replaces leucine 214 with serine.
Molecular consequence: missense variant.
Genome position (GRCh38, 1-based): chr7:103,749,441, A>G on the plus strand (T>C on the coding strand, the complement: RELN is on the minus strand). VCF-style: chr7-103749441-A-G. GRCh37 (hg19) VCF-style: chr7-103389888-A-G.
Other names: c.641T>C, p.Leu214Ser (NM_173054.3); short protein forms L214S.
Identifiers: ClinVar variation 1394070 (VCV001394070.6), dbSNP rs2116064367, ClinGen allele CA368930230.